The following is an entry in ClinVar:

NM_000215.4(JAK3):c.1178dup (p.Ser394fs)

Gene: JAK3 (Janus kinase 3; minus strand). Cytogenetic location: 19p13.11.
Variant type: Duplication.
Coding change: c.1178dup on transcript NM_000215.4 (MANE Select); coding-DNA position 1178, one base duplicated (G; older notation c.1178dupG).
Protein change: p.Ser394fs; shifts the reading frame from serine 394.
Molecular consequence: frameshift variant.
Genome position (GRCh38, 1-based): chr19:17,840,306, C duplicated on the plus strand (G on the coding strand, the reverse complement: JAK3 is on the minus strand); the first of 5 consecutive C bases (chr19:17,840,306-17,840,310); duplicating any one gives the same sequence. VCF-style (leftmost placement, unchanged base first): chr19-17840305-G-GC. GRCh37 (hg19) VCF-style: chr19-17951114-G-GC.
Other names: c.1178dup (NM_000215.3); short protein forms S394fs.
Identifiers: ClinVar variation 1456683 (VCV001456683.8), dbSNP rs2094235007, ClinGen allele CA2326055976.

ClinVar aggregate classification (germline): Pathogenic. Review status: criteria provided, multiple submitters, no conflicts (2 of 4 stars). 3 submissions from 3 submitters: Pathogenic (2). 1 of the submissions does not count toward it. Last evaluated 2023-05-22.

Conditions:
T-B+ severe combined immunodeficiency due to JAK3 deficiency. Also called: SCID, autosomal recessive, T-negative/B-positive type; SCID, T CELL-NEGATIVE, B CELL-POSITIVE, NK CELL-NEGATIVE. Identifiers: Orphanet 35078, MedGen C1833275, MONDO:0010938, OMIM 600802.

Submissions (3):

GeneDx
Classification: Pathogenic. Last evaluated: 2023-05-22. Review status: criteria provided, single submitter. Criteria: GeneDx Variant Classification Process June 2021. Collection method: clinical testing. Allele origin: germline. Affected: yes.
Comment: Observed with another JAK3 variant on the opposite allele (in trans) in a patient with SCID in published literature (Russell et al., 1995); Published functional studies suggest a damaging effect with loss of JAK3 expression (Russell SM, 1995; Roberts et al., 2004); Frameshift variant predicted to result in protein truncation or nonsense mediated decay in a gene for which loss of function is a known mechanism of disease; Not observed at significant frequency in large population cohorts (gnomAD); This variant is associated with the following publications: (PMID: 14615376, 7481768)

Labcorp Genetics (formerly Invitae), Labcorp
Classification: Pathogenic for T-B+ severe combined immunodeficiency due to JAK3 deficiency. Last evaluated: 2021-11-28. Review status: criteria provided, single submitter. Criteria: Invitae Variant Classification Sherloc (09022015). Collection method: clinical testing. Allele origin: germline.
Comment: For these reasons, this variant has been classified as Pathogenic. This premature translational stop signal has been observed in individual(s) with severe combined immunodeficiency (PMID: 7481768). This variant is not present in population databases (gnomAD no frequency). This sequence change creates a premature translational stop signal (p.Ser394Leufs*16) in the JAK3 gene. It is expected to result in an absent or disrupted protein product. Loss-of-function variants in JAK3 are known to be pathogenic (PMID: 7481768, 11668621).

OMIM
Classification: Pathogenic for SEVERE COMBINED IMMUNODEFICIENCY, AUTOSOMAL RECESSIVE, T CELL-NEGATIVE, B CELL-POSITIVE, NK CELL-NEGATIVE. Last evaluated: 1995-11-03. Review status: no assertion criteria provided. Collection method: literature only. Allele origin: germline. Not counted in ClinVar's aggregate classification.

Literature cited by the submitters: PubMed 7481768 (cited by Labcorp Genetics (formerly Invitae), Labcorp and OMIM); PubMed 11668621 (cited by Labcorp Genetics (formerly Invitae), Labcorp).